The following is an entry in ClinVar:

NM_138694.4(PKHD1):c.5410C>T (p.Arg1804Cys)

Gene: PKHD1 (PKHD1 ciliary IPT domain containing fibrocystin/polyductin; minus strand). Cytogenetic location: 6p12.2.
Variant type: single nucleotide variant.
Coding change: c.5410C>T on transcript NM_138694.4 (MANE Select); coding-DNA position 5410, C replaced by T.
Protein change: p.Arg1804Cys; replaces arginine 1804 with cysteine.
Molecular consequence: missense variant.
Genome position (GRCh38, 1-based): chr6:52,017,600, G>A on the plus strand (C>T on the coding strand, the complement: PKHD1 is on the minus strand). VCF-style: chr6-52017600-G-A. GRCh37 (hg19) VCF-style: chr6-51882398-G-A.
Other names: c.5410C>T, p.Arg1804Cys (NM_170724.3); short protein forms R1804C.
Identifiers: ClinVar variation 501154 (VCV000501154.17), dbSNP rs201906247, ClinGen allele CA3852517.

ClinVar aggregate classification (germline): Uncertain significance. Review status: criteria provided, multiple submitters, no conflicts (2 of 4 stars). 9 submissions from 9 submitters: Uncertain significance (7). 2 of the submissions do not count toward it. Last evaluated 2026-03-03.

Conditions:
PKHD1-related disorder. Also called: PKHD1-related condition.
Polycystic kidney disease 4 (PKD4). Also called: PKD3; POLYCYSTIC KIDNEY DISEASE 4 WITH OR WITHOUT POLYCYSTIC LIVER DISEASE; Autosomal Recessive Polycystic Kidney Disease – PKHD1; POLYCYSTIC KIDNEY AND HEPATIC DISEASE 1; POLYCYSTIC KIDNEY DISEASE, INFANTILE, TYPE I. Identifiers: MedGen C4540575, MONDO:0033004, OMIM 263200.
Autosomal recessive polycystic kidney disease (ARPKD). Also called: AR polycystic kidney disease. Identifiers: Orphanet 731, Orphanet 8378, MedGen C0085548, MeSH D017044, MONDO:0009889.

Allele frequency attached by ClinVar (database versions not stated): TOPMed 0.00022; 1000 Genomes Project 0.00060; 1000 Genomes Project 30x 0.00062.
gnomAD v4.1: 311 of 1,613,686 alleles (0.019%); highest among the groups gnomAD compares: South Asian, 0.074%; no homozygotes.

Submissions (9):

Women's Health and Genetics/Laboratory Corporation of America, LabCorp
Classification: Uncertain significance. Last evaluated: 2026-03-03. Review status: criteria provided, single submitter. Criteria: LabCorp Variant Classification Summary - May 2015. Collection method: clinical testing. Allele origin: germline.
Comment: Variant summary: PKHD1 c.5410C>T (p.Arg1804Cys) results in a non-conservative amino acid change in the encoded protein sequence. Algorithms developed to predict the effect of missense changes on protein structure and function are either unavailable or do not agree on the potential impact of this missense change. The variant allele was found at a frequency of 0.00023 in 250692 control chromosomes. This frequency is not significantly higher than estimated for disease-causing variants in PKHD1, allowing no conclusion about variant significance. c.5410C>T has been observed in individual(s) affected with Polycystic Kidney And Hepatic Disease (Sharp_2005, Domingo-Gallego_2021, Gezgin_2024). These data do not allow any conclusion about variant significance. To our knowledge, no experimental evidence demonstrating an impact on protein function has been reported. The following publications have been ascertained in the context of this evaluation (PMID: 33532864, 39473742, 15805161). ClinVar contains an entry for this variant (Variation ID: 501154). Based on the evidence outlined above, the variant was classified as uncertain significance.

Dasa
Classification: Uncertain significance for Polycystic kidney disease 4. Last evaluated: 2025-09-13. Review status: criteria provided, single submitter. Criteria: DASA Assertion Criteria. Collection method: clinical testing. Allele origin: germline.
Comment: NM_138694.4(PKHD1):c.5410C>T (p.Arg1804Cys) is a missense variant that results in the substitution of arginine with cysteine. This variant has been reported in individuals with PKHD1-related disorders (PMID: 15805161). Also, this variant is rare in population databases. The currently available literature and clinical evidence are not sufficient to establish a definitive association between this variant and the reported condition. Therefore, this variant is classified as a variant of uncertain significance.

Fulgent Genetics
Classification: Uncertain significance for Polycystic kidney disease 4. Last evaluated: 2024-03-05. Review status: criteria provided, single submitter. Criteria: ACMG Guidelines, 2015. Collection method: clinical testing. Allele origin: germline.

Blueprint Genetics
Classification: Uncertain significance. Last evaluated: 2024-01-10. Review status: criteria provided, single submitter. Criteria: ACMG Guidelines, 2015. Collection method: clinical testing. Allele origin: germline.

Labcorp Genetics (formerly Invitae), Labcorp
Classification: Uncertain significance for Autosomal recessive polycystic kidney disease. Last evaluated: 2021-11-05. Review status: criteria provided, single submitter. Criteria: Invitae Variant Classification Sherloc (09022015). Collection method: clinical testing. Allele origin: germline.
Comment: This sequence change replaces arginine, which is basic and polar, with cysteine, which is neutral and slightly polar, at codon 1804 of the PKHD1 protein (p.Arg1804Cys). This variant is present in population databases (rs201906247, gnomAD 0.08%). This missense change has been observed in individual(s) with autosomal recessive polycystic kidney disease (PMID: 15805161). ClinVar contains an entry for this variant (Variation ID: 501154). Advanced modeling of protein sequence and biophysical properties (such as structural, functional, and spatial information, amino acid conservation, physicochemical variation, residue mobility, and thermodynamic stability) performed at Invitae indicates that this missense variant is not expected to disrupt PKHD1 protein function. In summary, the available evidence is currently insufficient to determine the role of this variant in disease. Therefore, it has been classified as a Variant of Uncertain Significance.

GeneDx
Classification: Uncertain significance. Last evaluated: 2021-04-05. Review status: criteria provided, single submitter. Criteria: GeneDx Variant Classification Process June 2021. Collection method: clinical testing. Allele origin: germline. Affected: yes.
Comment: Identified in a patient with ARPKD with a second variant in an unknown phase in published literature (Sharp et al., 2005); In silico analysis supports that this missense variant does not alter protein structure/function; This variant is associated with the following publications: (PMID: 15805161)

Eurofins Ntd Llc (ga)
Classification: Uncertain significance. Last evaluated: 2018-06-05. Review status: criteria provided, single submitter. Criteria: EGL ClinVar v180209 classification definitions. Collection method: clinical testing. Allele origin: germline. Observed: 5 variant alleles, 5 heterozygotes.

PreventionGenetics, part of Exact Sciences
Classification: Uncertain significance for PKHD1-related condition. Last evaluated: 2024-03-06. Review status: no assertion criteria provided. Collection method: clinical testing. Allele origin: germline. Not counted in ClinVar's aggregate classification.
Comment: The PKHD1 c.5410C>T variant is predicted to result in the amino acid substitution p.Arg1804Cys. This variant has been reported with a canonical splice variant (c.5381-2A>C) in a fetal specimen due to suspected autosomal recessive polycystic kidney disease (ARPKD) (Sharp et al. 2005. PubMed ID: 15805161). This variant was also described in a large cohort of individuals with suspected early-onset chronic kidney disease (Domingo-Gallego et al. 2022. PubMed ID: 33532864, supplementary data). This variant is reported in 0.078% of alleles in individuals of South Asian descent in gnomAD. This variant could be pathogenic. At this time, however, the clinical significance of this variant is uncertain due to the absence of conclusive functional and genetic evidence.

Counsyl
Classification: Uncertain significance for Polycystic kidney disease 4. Last evaluated: 2017-02-09. Review status: no assertion criteria provided. Collection method: clinical testing. Allele origin: unknown. Not counted in ClinVar's aggregate classification.

Literature cited by the submitters: PubMed 15805161 (cited by 4 submitters); PubMed 33532864 (cited by Women's Health and Genetics/Laboratory Corporation of America, LabCorp); PubMed 39473742 (cited by Women's Health and Genetics/Laboratory Corporation of America, LabCorp); PubMed 26489027 (cited by Counsyl).